The following is an entry in ClinVar:

NM_001127511.3(APC):c.-167G>C

Gene: APC (APC regulator of Wnt signaling pathway; plus strand). Cytogenetic location: 5q22.2.
Variant type: single nucleotide variant.
Coding change: c.-167G>C on transcript NM_001127511.3; 167 bases upstream of the start codon, G replaced by C.
Molecular consequence: 5 prime UTR variant. On other transcripts: non-coding transcript variant (2).
Genome position (GRCh38, 1-based): chr5:112,707,551, G>C. VCF-style: chr5-112707551-G-C. GRCh37 (hg19) VCF-style: chr5-112043248-G-C.
Other names: c.-350G>C (NM_001354895.2, NM_001407447.1, NM_001407452.1 and 3 more transcripts); c.-167G>C (NM_001354897.2, NM_001354902.2, NM_001407446.1); c.-117G>C (NM_001407448.1, NM_001407450.1, NM_001407457.1 and 1 more transcripts); c.-141G>C (NM_001407453.1); c.-1385G>C (NM_001407470.1, NM_001407472.1).
Identifiers: ClinVar variation 2137512 (VCV002137512.3), dbSNP rs1278244063, ClinGen allele CA802057063.

ClinVar aggregate classification (germline): Uncertain significance (1 of 4 stars; one submission).

Conditions:
Familial adenomatous polyposis 1 (FAP1). Also called: FAMILIAL ADENOMATOUS POLYPOSIS 1, ATTENUATED; POLYPOSIS, ADENOMATOUS INTESTINAL. Identifiers: MedGen C2713442, MONDO:0021056, OMIM 175100. Disease mechanism: loss of function.

gnomAD v4.1: 2 of 570,258 alleles (0.00035%); highest among the groups gnomAD compares: Non-Finnish European, 0.00058%; no homozygotes.

Submission:

Labcorp Genetics (formerly Invitae), Labcorp
Classification: Uncertain significance for Familial adenomatous polyposis 1. Last evaluated: 2023-12-22. Review status: criteria provided, single submitter. Criteria: Invitae Variant Classification Sherloc (09022015). Collection method: clinical testing. Allele origin: germline.
Comment: This variant occurs in a non-coding region of the APC gene. It does not change the encoded amino acid sequence of the APC protein. This variant is not present in population databases (gnomAD no frequency). This variant has not been reported in the literature in individuals affected with APC-related conditions. Experimental studies and prediction algorithms are not available or were not evaluated, and the functional significance of this variant is currently unknown. In summary, the available evidence is currently insufficient to determine the role of this variant in disease. Therefore, it has been classified as a Variant of Uncertain Significance.